The following is an entry in ClinVar:

NM_053025.4(MYLK):c.1509A>G (p.Gln503=)

Gene: MYLK (myosin light chain kinase; minus strand). Cytogenetic location: 3q21.1.
Variant type: single nucleotide variant.
Coding change: c.1509A>G on transcript NM_053025.4 (MANE Select); coding-DNA position 1509, A replaced by G.
Protein change: p.Gln503=; no amino-acid change (glutamine 503 retained).
Molecular consequence: synonymous variant. On other transcripts: intron variant (2).
Genome position (GRCh38, 1-based): chr3:123,732,903, T>C on the plus strand (A>G on the coding strand, the complement: MYLK is on the minus strand). VCF-style: chr3-123732903-T-C. GRCh37 (hg19) VCF-style: chr3-123451750-T-C.
Other names: c.981A>G, p.Gln327= (NM_001321309.2); c.1509A>G, p.Gln503= (NM_053027.4); c.1309+784A>G (NM_053028.4, NM_053026.4).
Identifiers: ClinVar variation 663460 (VCV000663460.12), dbSNP rs948829374, ClinGen allele CA82942537.

ClinVar aggregate classification (germline): Conflicting classifications of pathogenicity. Review status: criteria provided, conflicting classifications (1 of 4 stars). 4 submissions from 4 submitters: Uncertain significance (2); Likely benign (1). 1 of the submissions does not count toward it. Last evaluated 2026-01-28.

Conditions:
MYLK-related disorder. Also called: MYLK-related condition.
Familial thoracic aortic aneurysm and aortic dissection (TAAD). Also called: Thoracic aortic aneurysms and dissections. Identifiers: Orphanet 91387, MedGen C4707243, MONDO:0019625.
Aortic aneurysm, familial thoracic 7 (AAT7). Also called: AORTIC DISSECTION, FAMILIAL, WITH OR WITHOUT AORTIC ANEURYSM. Identifiers: MedGen C3151077, MONDO:0013418, OMIM 613780.

Allele frequency attached by ClinVar (database versions not stated): gnomAD exomes 0.00001 and 0.00005; gnomAD 0.00003; TOPMed 0.00003.

Submissions (4):

Labcorp Genetics (formerly Invitae), Labcorp
Classification: Uncertain significance for Aortic aneurysm, familial thoracic 7. Last evaluated: 2026-01-28. Review status: criteria provided, single submitter. Criteria: Invitae Variant Classification Sherloc (09022015). Collection method: clinical testing. Allele origin: germline.
Comment: This sequence change affects codon 503 of the MYLK mRNA. It is a 'silent' change, meaning that it does not change the encoded amino acid sequence of the MYLK protein. This variant is present in population databases (no rsID available, gnomAD 0.004%). This variant has been observed in individuals with thoracic aortic aneurysm and dissection (internal data). ClinVar contains an entry for this variant (Variation ID: 663460). Algorithms developed to predict the effect of sequence changes on RNA splicing suggest that this variant is not likely to affect RNA splicing. In summary, the available evidence is currently insufficient to determine the role of this variant in disease. Therefore, it has been classified as a Variant of Uncertain Significance.

Ambry Genetics
Classification: Likely benign for Familial thoracic aortic aneurysm and aortic dissection. Last evaluated: 2023-02-11. Review status: criteria provided, single submitter. Criteria: Ambry Variant Classification Scheme 2023. Collection method: clinical testing. Allele origin: germline.

CHEO Genetics Diagnostic Laboratory, Children's Hospital of Eastern Ontario
Classification: Uncertain significance for Familial thoracic aortic aneurysm and aortic dissection. Last evaluated: 2021-01-08. Review status: criteria provided, single submitter. Criteria: ACMG Guidelines, 2015. Collection method: clinical testing. Allele origin: germline.

PreventionGenetics, part of Exact Sciences
Classification: Likely benign for MYLK-related condition. Last evaluated: 2024-08-06. Review status: no assertion criteria provided. Collection method: clinical testing. Allele origin: germline. Not counted in ClinVar's aggregate classification.
Comment: This variant is classified as likely benign based on ACMG/AMP sequence variant interpretation guidelines (Richards et al. 2015 PMID: 25741868, with internal and published modifications).